The following is an entry in ClinVar:

NM_000521.4(HEXB):c.786G>T (p.Leu262Phe)

Gene: HEXB (hexosaminidase subunit beta; plus strand). Cytogenetic location: 5q13.3.
Variant type: single nucleotide variant.
Coding change: c.786G>T on transcript NM_000521.4 (MANE Select); coding-DNA position 786, G replaced by T.
Protein change: p.Leu262Phe; replaces leucine 262 with phenylalanine.
Molecular consequence: missense variant.
Genome position (GRCh38, 1-based): chr5:74,713,520, G>T. VCF-style: chr5-74713520-G-T. GRCh37 (hg19) VCF-style: chr5-74009345-G-T.
Other names: c.111G>T, p.Leu37Phe (NM_001292004.2); short protein forms L262F, L37F.
Identifiers: ClinVar variation 1019965 (VCV001019965.10), dbSNP rs867255937, ClinGen allele CA120906527.

ClinVar aggregate classification (germline): Uncertain significance. Review status: criteria provided, single submitter (1 of 4 stars). 2 submissions from 2 submitters: Uncertain significance (1). 1 of the submissions does not count toward it. Last evaluated 2026-01-19.

Conditions:
Sandhoff disease. Also called: Beta-hexosaminidase-beta-subunit deficiency; GM2 gangliosidosis, type 2; Total hexosaminidase deficiency; Sandhoff-Jatzkewitz-Pilz disease; GM2-GANGLIOSIDOSIS, TYPE II; HEXOSAMINIDASES A AND B DEFICIENCY. Identifiers: Orphanet 796, MedGen C0036161, MONDO:0010006, OMIM 268800.

Allele frequency attached by ClinVar (database versions not stated): gnomAD exomes below 0.00001; gnomAD 0.00001 and 0.00004; TOPMed 0.00003.
gnomAD v4.1: 13 of 1,611,502 alleles (0.00081%); highest among the groups gnomAD compares: Admixed American, 0.0083%; no homozygotes.

Submissions (2):

Labcorp Genetics (formerly Invitae), Labcorp
Classification: Uncertain significance for Sandhoff disease. Last evaluated: 2026-01-19. Review status: criteria provided, single submitter. Criteria: Invitae Variant Classification Sherloc (09022015). Collection method: clinical testing. Allele origin: germline.
Comment: This sequence change replaces leucine, which is neutral and non-polar, with phenylalanine, which is neutral and non-polar, at codon 262 of the HEXB protein (p.Leu262Phe). This variant is present in population databases (no rsID available, gnomAD 0.007%). This variant has not been reported in the literature in individuals affected with HEXB-related conditions. ClinVar contains an entry for this variant (Variation ID: 1019965). An algorithm developed to predict the effect of missense changes on protein structure and function outputs the following: PolyPhen-2: "Benign". The phenylalanine amino acid residue is found in multiple mammalian species, which suggests that this missense change does not adversely affect protein function. In summary, the available evidence is currently insufficient to determine the role of this variant in disease. Therefore, it has been classified as a Variant of Uncertain Significance.

Natera, Inc.
Classification: Uncertain significance for Sandhoff disease. Last evaluated: 2020-02-13. Review status: no assertion criteria provided. Collection method: clinical testing. Allele origin: germline. Not counted in ClinVar's aggregate classification.